The following is an entry in ClinVar:

NM_001370658.1(BTD):c.345C>T (p.Pro115=)

Gene: BTD (biotinidase; plus strand). Cytogenetic location: 3p25.1.
Variant type: single nucleotide variant.
Coding change: c.345C>T on transcript NM_001370658.1 (MANE Select); coding-DNA position 345, C replaced by T.
Protein change: p.Pro115=; no amino-acid change (proline 115 retained).
Molecular consequence: synonymous variant.
Genome position (GRCh38, 1-based): chr3:15,642,003, C>T. VCF-style: chr3-15642003-C-T. GRCh37 (hg19) VCF-style: chr3-15683510-C-T.
Other names: c.405C>T, p.Pro135= (NM_000060.4); c.345C>T, p.Pro115= (NM_001281723.4, NM_001281724.3, NM_001281725.3 and 36 more transcripts); c.408C>T, p.Pro136= (NM_001407381.1).
Identifiers: ClinVar variation 1087761 (VCV001087761.14), dbSNP rs767937184, ClinGen allele CA2277305.

ClinVar aggregate classification (germline): Likely benign. Review status: criteria provided, multiple submitters, no conflicts (2 of 4 stars). 2 submissions from 2 submitters: Likely benign (2). Last evaluated 2025-10-01.

Conditions:
Biotinidase deficiency. Also called: Biotin deficiency; BTD deficiency; Late-onset biotin-responsive multiple carboxylase deficiency. Identifiers: Orphanet 79241, MedGen C0220754, MONDO:0009665, OMIM 253260.

Allele frequency attached by ClinVar (database versions not stated): gnomAD exomes below 0.00001; ExAC 0.00001; TOPMed 0.00001.
gnomAD v4.1: 1 of 1,614,180 alleles (0.000062%); highest among the groups gnomAD compares: Admixed American, 0.0017%; no homozygotes.

Submissions (2):

CeGaT Center for Human Genetics Tuebingen
Classification: Likely benign. Last evaluated: 2025-10-01. Review status: criteria provided, single submitter. Criteria: CeGaT Center For Human Genetics Tuebingen Variant Classification Criteria Version 2. Collection method: clinical testing. Allele origin: germline. Affected: yes. Observed: 1 variant allele.
Comment: BTD: BP4, BP7

Labcorp Genetics (formerly Invitae), Labcorp
Classification: Likely benign for Biotinidase deficiency. Last evaluated: 2023-05-11. Review status: criteria provided, single submitter. Criteria: Invitae Variant Classification Sherloc (09022015). Collection method: clinical testing. Allele origin: germline.